The following is an entry in ClinVar:

ClinVar aggregate classification (germline): Pathogenic (1 of 4 stars; one submission).

Conditions:
Sulfite oxidase deficiency due to molybdenum cofactor deficiency type A. Also called: Molybdenum cofactor deficiency, complementation group A; Molybdenum Cofactor Deficiency A. Identifiers: Orphanet 308386, Orphanet 833, MedGen C1854988, MONDO:0009643, OMIM 252150.

Submission:

Labcorp Genetics (formerly Invitae), Labcorp
Classification: Pathogenic for Sulfite oxidase deficiency due to molybdenum cofactor deficiency type A. Last evaluated: 2023-02-15. Review status: criteria provided, single submitter. Criteria: Invitae Variant Classification Sherloc (09022015). Collection method: clinical testing. Allele origin: germline.
Comment: This sequence change creates a premature translational stop signal (p.Leu182Trpfs*33) in the MOCS1 gene. It is expected to result in an absent or disrupted protein product. Loss-of-function variants in MOCS1 are known to be pathogenic (PMID: 12754701, 16021469). This variant is present in population databases (no rsID available, gnomAD 0.003%). This variant has not been reported in the literature in individuals affected with MOCS1-related conditions. For these reasons, this variant has been classified as Pathogenic.

Literature cited by the submitters: PubMed 12754701; PubMed 16021469.

NM_001358530.2(MOCS1):c.544del (p.Leu182fs)

Gene: MOCS1 (molybdenum cofactor synthesis 1; minus strand). Cytogenetic location: 6p21.2.
Variant type: Deletion.
Coding change: c.544del on transcript NM_001358530.2 (MANE Select); coding-DNA position 544, one base deleted (C; older notation c.544delC).
Protein change: p.Leu182fs; shifts the reading frame from leucine 182.
Molecular consequence: frameshift variant. On other transcripts: non-coding transcript variant (1).
Genome position (GRCh38, 1-based): chr6:39,916,107, G deleted on the plus strand (C on the coding strand, the reverse complement: MOCS1 is on the minus strand); the first of 3 consecutive G bases (chr6:39,916,107-39,916,109); deleting any one gives the same sequence. VCF-style (leftmost placement, unchanged base first): chr6-39916106-AG-A. GRCh37 (hg19) VCF-style: chr6-39883850-AG-A.
Other names: c.544del, p.Leu182fs (NM_001075098.4, NM_001358529.2, NM_005943.6); c.283del, p.Leu95fs (NM_001358531.2, NM_001358533.2, NM_001358534.2); short protein forms L95fs, L182fs.
Identifiers: ClinVar variation 2791335 (VCV002791335.3), dbSNP rs1288828016, ClinGen allele CA566900242.
Genomic context (GRCh38, chr6:39,916,106, plus strand): 5'-CACCCCATCCACATCCGCTCACCTTTCCTGCGGACAATGAACTCAAACTTGGCAGGCACC[AG>A]GGTGTCCAGGCTGATGTTGATGGCACTGAGACCAGCCTTCTGAAGCTGGGGCAGTAGCCG-3'